The following is an entry in ClinVar:

ClinVar aggregate classification (germline): Likely pathogenic (1 of 4 stars; one submission).

Conditions:
CFTR-related disorder (CFTR-RD). Also called: CFTR-related disorders; CFTR-related condition. Identifiers: MedGen C5924204, MONDO:7770004.

Submission:

Natera, Inc.
Classification: Likely pathogenic for CFTR-related disorders. Last evaluated: 2025-08-05. Review status: criteria provided, single submitter. Criteria: Natera Variant Classification Schema (03/2026). Collection method: clinical testing. Allele origin: germline.
Comment: The c.1123_1168del variant in CFTR is a frameshift variant predicted to shift the reading frame beginning at codon 375 and leads to a stop codon 3 codons downstream. This variant is expected to result in nonsense mediated decay, truncation, or a dysfunctional protein product. This variant is rare in the general population with a frequency below the threshold expected for the associated phenotype(s). Given the available evidence, this variant is classified as Likely Pathogenic.

NM_000492.4(CFTR):c.1123_1168del (p.Leu375fs)

Gene: CFTR (CF transmembrane conductance regulator; plus strand). Cytogenetic location: 7q31.2.
Variant type: Deletion.
Coding change: c.1123_1168del on transcript NM_000492.4 (MANE Select); coding-DNA positions 1123 to 1168, 46 bases deleted.
Protein change: p.Leu375fs; shifts the reading frame from leucine 375.
Molecular consequence: frameshift variant.
Genome position (GRCh38, 1-based): chr7:117,542,022-117,542,067, 46 bases deleted. GRCh37 (hg19): chr7:117,182,076-117,182,121.
Other names: c.1123_1168del46, p.Leu375Glnfs (NM_000492.3); short protein forms L375fs.
Identifiers: ClinVar variation 4818462 (VCV004818462.1).
Genomic context (GRCh38, chr7:117,542,021, plus strand): 5'-ATGCATTAATGCTATTCTGATTCTATAATATGTTTTTGCTCTCTTTTATAAATAGGATTT[CTTACAAAAGCAAGAATATAAGACATTGGAATATAACTTAACGACTA>C]CAGAAGTAGTGATGGAGAATGTAACAGCCTTCTGGGAGGAGGTCAGAATTTTTAAAAAAT-3'